The following is an entry in ClinVar:

NM_001458.5(FLNC):c.7365C>G (p.Tyr2455Ter)

Genes: FLNC-AS1 (FLNC antisense RNA 1; minus strand), FLNC (filamin C; plus strand). Cytogenetic location: 7q32.1.
Variant type: single nucleotide variant.
Coding change: c.7365C>G on transcript NM_001458.5 (MANE Select); coding-DNA position 7365, C replaced by G.
Protein change: p.Tyr2455Ter; replaces tyrosine 2455 with a stop codon.
Molecular consequence: nonsense.
Genome position (GRCh38, 1-based): chr7:128,856,631, C>G. VCF-style: chr7-128856631-C-G. GRCh37 (hg19) VCF-style: chr7-128496685-C-G.
Other names: c.7266C>G, p.Tyr2422Ter (NM_001127487.2); short protein forms Y2422*, Y2455*.
Identifiers: ClinVar variation 4812483 (VCV004812483.1).

ClinVar aggregate classification (germline): Pathogenic (1 of 4 stars; one submission).

Conditions:
Hypertrophic cardiomyopathy 26. Also called: Cardiomyopathy, familial hypertrophic, 26. Identifiers: Orphanet 75249, MedGen C4310749, MONDO:0014883, OMIM 617047.
Myofibrillar myopathy 5. Also called: Filaminopathy (type); FILAMINOPATHY, AUTOSOMAL DOMINANT. Identifiers: Orphanet 171445, MedGen C1836050, MONDO:0012289, OMIM 609524.
Distal myopathy with posterior leg and anterior hand involvement. Also called: WILLIAMS DISTAL MYOPATHY. Identifiers: Orphanet 63273, MedGen C3279722, MONDO:0013550, OMIM 614065.

Submission:

Labcorp Genetics (formerly Invitae), Labcorp
Classification: Pathogenic for Distal myopathy with posterior leg and anterior hand involvement; Myofibrillar myopathy 5; Hypertrophic cardiomyopathy 26. Last evaluated: 2025-04-23. Review status: criteria provided, single submitter. Criteria: Invitae Variant Classification Sherloc (09022015). Collection method: clinical testing. Allele origin: germline.
Comment: This sequence change creates a premature translational stop signal (p.Tyr2455*) in the FLNC gene. It is expected to result in an absent or disrupted protein product. Loss-of-function variants in FLNC are known to be pathogenic (PMID: 27908349). This variant is not present in population databases (gnomAD no frequency). This variant has not been reported in the literature in individuals affected with FLNC-related conditions. For these reasons, this variant has been classified as Pathogenic.

Literature cited by the submitters: PubMed 27908349.